The following is an entry in ClinVar:

ClinVar aggregate classification (germline): Uncertain significance. Review status: criteria provided, multiple submitters, no conflicts (2 of 4 stars). 2 submissions from 2 submitters: Uncertain significance (2). Last evaluated 2025-03-14.

Conditions:
Hereditary spastic paraplegia 30. Identifiers: Orphanet 101010, MedGen C5235139, MONDO:0012476.
Neuropathy, hereditary sensory, type 2C. Also called: Hereditary sensory and autonomic neuropathy type IIC; KIF1A-Related HSAN2 (HSAN2C). Identifiers: Orphanet 970, MedGen C3280168, MONDO:0013634, OMIM 614213.
Intellectual disability, autosomal dominant 9 (NESCAVS). Also called: NESCAV SYNDROME; KIF1A-Related Neurodevelopmental Disorder. Identifiers: Orphanet 662367, MedGen C5393830, MONDO:0013656, OMIM 614255.

Allele frequency attached by ClinVar (database versions not stated): gnomAD exomes below 0.00001.

Submissions (2):

GeneDx
Classification: Uncertain significance. Last evaluated: 2025-03-14. Review status: criteria provided, single submitter. Criteria: GeneDx Variant Classification Process June 2021. Collection method: clinical testing. Allele origin: germline. Affected: yes.
Comment: Not observed at significant frequency in large population cohorts (gnomAD); In silico analysis indicates that this missense variant does not alter protein structure/function; Has not been previously published as pathogenic or benign to our knowledge; This variant is associated with the following publications: (PMID: 21376300, 21820098, 26125038)

Labcorp Genetics (formerly Invitae), Labcorp
Classification: Uncertain significance for Hereditary spastic paraplegia 30; Neuropathy, hereditary sensory, type 2C; Intellectual disability, autosomal dominant 9. Last evaluated: 2022-10-21. Review status: criteria provided, single submitter. Criteria: Invitae Variant Classification Sherloc (09022015). Collection method: clinical testing. Allele origin: germline.
Comment: This sequence change replaces valine, which is neutral and non-polar, with isoleucine, which is neutral and non-polar, at codon 38 of the KIF1A protein (p.Val38Ile). In summary, the available evidence is currently insufficient to determine the role of this variant in disease. Therefore, it has been classified as a Variant of Uncertain Significance. Advanced modeling of protein sequence and biophysical properties (such as structural, functional, and spatial information, amino acid conservation, physicochemical variation, residue mobility, and thermodynamic stability) performed at Invitae indicates that this missense variant is expected to disrupt KIF1A protein function. This variant has not been reported in the literature in individuals affected with KIF1A-related conditions. This variant is not present in population databases (gnomAD no frequency).

NM_001244008.2(KIF1A):c.112G>A (p.Val38Ile)

Gene: KIF1A (kinesin family member 1A; minus strand). Cytogenetic location: 2q37.3.
Variant type: single nucleotide variant.
Coding change: c.112G>A on transcript NM_001244008.2 (MANE Select); coding-DNA position 112, G replaced by A.
Protein change: p.Val38Ile; replaces valine 38 with isoleucine.
Molecular consequence: missense variant.
Genome position (GRCh38, 1-based): chr2:240,789,307, C>T on the plus strand (G>A on the coding strand, the complement: KIF1A is on the minus strand). VCF-style: chr2-240789307-C-T. GRCh37 (hg19) VCF-style: chr2-241728724-C-T.
Other names: c.112G>A, p.Val38Ile (NM_001320705.2, NM_001330289.2, NM_001330290.2 and 21 more transcripts); c.112G>A (NM_004321.6); short protein forms V38I.
Identifiers: ClinVar variation 1949467 (VCV001949467.6), dbSNP rs2538463288, ClinGen allele CA351311834.
Genomic context (GRCh38, chr2:240,789,307, plus strand): 5'-ACCAGTAGGAGTAGTCAAAGCTGAAGCTTTTGGGCGTCTCCTTGGGCTGTTTGGGGTTAA[C>T]AATGGCTGTGGGAGGGAACACAGGTGGTTAGCGCTGTGCTGGGAGGGCCCCTGACTAGCT-3'
Protein context (NP_001230937.1, residues 28-48): IQMSGSTTTI[Val38Ile]NPKQPKETPK